The following is an entry in ClinVar:

ClinVar aggregate classification (germline): Uncertain significance. Review status: criteria provided, multiple submitters, no conflicts (2 of 4 stars). 2 submissions from 2 submitters: Uncertain significance (2). Last evaluated 2026-01-08.

Conditions:
Inborn genetic diseases. Identifiers: MedGen C0950123, MeSH D030342.

Allele frequency attached by ClinVar (database versions not stated): gnomAD exomes below 0.00001; TOPMed below 0.00001; ExAC 0.00001; gnomAD 0.00001.
gnomAD v4.1: 7 of 1,612,052 alleles (0.00043%); highest among the groups gnomAD compares: African/African-American, 0.0027%; no homozygotes.

Submissions (2):

Labcorp Genetics (formerly Invitae), Labcorp
Classification: Uncertain significance. Last evaluated: 2026-01-08. Review status: criteria provided, single submitter. Criteria: Invitae Variant Classification Sherloc (09022015). Collection method: clinical testing. Allele origin: germline.
Comment: This sequence change replaces proline, which is neutral and non-polar, with leucine, which is neutral and non-polar, at codon 545 of the SLC26A1 protein (p.Pro545Leu). The frequency data for this variant in the population databases is considered unreliable, as metrics indicate poor data quality at this position in the gnomAD database. This variant has not been reported in the literature in individuals affected with SLC26A1-related conditions. ClinVar contains an entry for this variant (Variation ID: 2555870). Invitae Evidence Modeling of protein sequence and biophysical properties (such as structural, functional, and spatial information, amino acid conservation, physicochemical variation, residue mobility, and thermodynamic stability) indicates that this missense variant is expected to disrupt SLC26A1 protein function with a positive predictive value of 80%. In summary, the available evidence is currently insufficient to determine the role of this variant in disease. Therefore, it has been classified as a Variant of Uncertain Significance.

Ambry Genetics
Classification: Uncertain significance for Inborn genetic diseases. Last evaluated: 2023-06-02. Review status: criteria provided, single submitter. Criteria: Ambry Variant Classification Scheme 2023. Collection method: clinical testing. Allele origin: germline.

NM_022042.4(SLC26A1):c.1634C>T (p.Pro545Leu)

Genes: IDUA (alpha-L-iduronidase; plus strand), SLC26A1 (solute carrier family 26 member 1; minus strand). Cytogenetic location: 4p16.3.
Variant type: single nucleotide variant.
Coding change: c.1634C>T on transcript NM_022042.4 (MANE Select); coding-DNA position 1634, C replaced by T.
Protein change: p.Pro545Leu; replaces proline 545 with leucine.
Molecular consequence: missense variant. On other transcripts: intron variant (2).
Genome position (GRCh38, 1-based): chr4:989,305, G>A on the plus strand (C>T on the coding strand, the complement: SLC26A1 is on the minus strand). VCF-style: chr4-989305-G-A. GRCh37 (hg19) VCF-style: chr4-983093-G-A.
Other names: c.1634C>T, p.Pro545Leu (NM_213613.4); c.576+1823C>T (NM_134425.4); c.299+1356G>A (NM_000203.5); short protein forms P545L.
Identifiers: ClinVar variation 2555870 (VCV002555870.3), dbSNP rs758369801, ClinGen allele CA2801326.